The following is an entry in ClinVar:

ClinVar aggregate classification (germline): Conflicting classifications of pathogenicity. Review status: criteria provided, conflicting classifications (1 of 4 stars). 2 submissions from 2 submitters: Uncertain significance (1); Likely benign (1). Last evaluated 2025-11-25.

Conditions:
Neurodevelopmental disorder with or without hyperkinetic movements and seizures, autosomal dominant. Also called: Intellectual disability, autosomal dominant 8. Identifiers: MedGen C3280282, MONDO:0013655, OMIM 614254.

Allele frequency attached by ClinVar (database versions not stated): gnomAD exomes 0.00005; ExAC 0.00007; gnomAD 0.00001; TOPMed 0.00001.
gnomAD v4.1: 72 of 1,574,518 alleles (0.0046%); highest among the groups gnomAD compares: East Asian, 0.0069%; no homozygotes.

Submissions (2):

Labcorp Genetics (formerly Invitae), Labcorp
Classification: Likely benign for Neurodevelopmental disorder with or without hyperkinetic movements and seizures, autosomal dominant. Last evaluated: 2025-11-25. Review status: criteria provided, single submitter. Criteria: Invitae Variant Classification Sherloc (09022015). Collection method: clinical testing. Allele origin: germline.

Institute for Clinical Genetics, University Hospital TU Dresden, University Hospital TU Dresden
Classification: Uncertain significance. Last evaluated: 2021-05-26. Review status: criteria provided, single submitter. Criteria: ACMG Guidelines, 2015. Collection method: clinical testing. Allele origin: maternal.
Comment: BP4

NM_007327.4(GRIN1):c.570+18G>A

Gene: GRIN1 (glutamate ionotropic receptor NMDA type subunit 1; plus strand). Cytogenetic location: 9q34.3.
Variant type: single nucleotide variant.
Coding change: c.570+18G>A on transcript NM_007327.4 (MANE Select); 18 bases into the intron after coding-DNA position 570, G replaced by A.
Molecular consequence: intron variant.
Genome position (GRCh38, 1-based): chr9:137,145,920, G>A. VCF-style: chr9-137145920-G-A. GRCh37 (hg19) VCF-style: chr9-140040372-G-A.
Other names: c.570+18G>A (NM_001185091.2, NM_021569.4, NM_000832.7 and 1 more transcripts).
Identifiers: ClinVar variation 2149016 (VCV002149016.5), dbSNP rs200220418, ClinGen allele CA5360682.